The following is an entry in ClinVar:

NM_006277.3(ITSN2):c.2082G>A (p.Arg694=)

Gene: ITSN2 (intersectin 2; minus strand). Cytogenetic location: 2p23.3.
Variant type: single nucleotide variant.
Coding change: c.2082G>A on transcript NM_006277.3 (MANE Select); coding-DNA position 2082, G replaced by A.
Protein change: p.Arg694=; no amino-acid change (arginine 694 retained).
Molecular consequence: synonymous variant.
Genome position (GRCh38, 1-based): chr2:24,271,941, C>T on the plus strand (G>A on the coding strand, the complement: ITSN2 is on the minus strand). VCF-style: chr2-24271941-C-T. GRCh37 (hg19) VCF-style: chr2-24494810-C-T.
Other names: c.2040G>A, p.Arg680= (NM_001348181.2); c.2001G>A, p.Arg667= (NM_001348182.2, NM_001348183.2, NM_001348186.2 and 1 more transcripts); c.1959G>A, p.Arg653= (NM_001348184.2); c.2082G>A, p.Arg694= (NM_001348185.2, NM_147152.3).
Identifiers: ClinVar variation 3703203 (VCV003703203.2).

ClinVar aggregate classification (germline): Uncertain significance (1 of 4 stars; one submission).

gnomAD v4.1: 30 of 1,382,658 alleles (0.0022%); highest among the groups gnomAD compares: African/African-American, 0.041%; 1 homozygote.

Submission:

Labcorp Genetics (formerly Invitae), Labcorp
Classification: Uncertain significance. Last evaluated: 2025-06-12. Review status: criteria provided, single submitter. Criteria: Invitae Variant Classification Sherloc (09022015). Collection method: clinical testing. Allele origin: germline.
Comment: This sequence change affects codon 694 of the ITSN2 mRNA. It is a 'silent' change, meaning that it does not change the encoded amino acid sequence of the ITSN2 protein. It affects a nucleotide within the consensus splice site. This variant is present in population databases (rs774551081, gnomAD 0.03%). This variant has not been reported in the literature in individuals affected with ITSN2-related conditions. ClinVar contains an entry for this variant (Variation ID: 3703203). Algorithms developed to predict the effect of sequence changes on RNA splicing suggest that this variant may create or strengthen a splice site. In summary, the available evidence is currently insufficient to determine the role of this variant in disease. Therefore, it has been classified as a Variant of Uncertain Significance.